The following is an entry in ClinVar:

ClinVar aggregate classification (germline): Uncertain significance. Review status: criteria provided, single submitter (1 of 4 stars). 2 submissions from 2 submitters: Uncertain significance (1). 1 of the submissions does not count toward it. Last evaluated 2022-12-17.

Conditions:
Mosaic variegated aneuploidy syndrome 1 (MVA1). Also called: Warburton-Anyane-Yeboa syndrome. Identifiers: Orphanet 1052, MedGen C1850343, MONDO:0009759, OMIM 257300.

Allele frequency attached by ClinVar (database versions not stated): gnomAD exomes 0.00001 and 0.00003; ExAC 0.00002; gnomAD 0.00002 and 0.00003; TOPMed 0.00002.

Submissions (2):

Labcorp Genetics (formerly Invitae), Labcorp
Classification: Uncertain significance for Mosaic variegated aneuploidy syndrome 1. Last evaluated: 2022-12-17. Review status: criteria provided, single submitter. Criteria: Invitae Variant Classification Sherloc (09022015). Collection method: clinical testing. Allele origin: germline.
Comment: This sequence change replaces arginine, which is basic and polar, with cysteine, which is neutral and slightly polar, at codon 130 of the BUB1B protein (p.Arg130Cys). This variant is present in population databases (rs587778144, gnomAD 0.009%). This variant has not been reported in the literature in individuals affected with BUB1B-related conditions. ClinVar contains an entry for this variant (Variation ID: 133773). Algorithms developed to predict the effect of missense changes on protein structure and function are either unavailable or do not agree on the potential impact of this missense change (SIFT: "Deleterious"; PolyPhen-2: "Benign"; Align-GVGD: "Class C15"). In summary, the available evidence is currently insufficient to determine the role of this variant in disease. Therefore, it has been classified as a Variant of Uncertain Significance.

ITMI
No classification provided. Condition: AllHighlyPenetrant. Last evaluated: 2013-09-19. Review status: no classification provided. Collection method: reference population. Allele origin: germline. Not counted in ClinVar's aggregate classification.
Comment: Please see associated publication for description of ethnicities

Literature cited by the submitters: PubMed 24728327 (cited by ITMI).

NM_001211.6(BUB1B):c.388C>T (p.Arg130Cys)

Gene: BUB1B (BUB1 mitotic checkpoint serine/threonine kinase B; plus strand). Cytogenetic location: 15q15.1.
Variant type: single nucleotide variant.
Coding change: c.388C>T on transcript NM_001211.6 (MANE Select); coding-DNA position 388, C replaced by T.
Protein change: p.Arg130Cys; replaces arginine 130 with cysteine.
Molecular consequence: missense variant.
Genome position (GRCh38, 1-based): chr15:40,176,480, C>T. VCF-style: chr15-40176480-C-T. GRCh37 (hg19) VCF-style: chr15-40468681-C-T.
Other names: short protein forms R130C.
Identifiers: ClinVar variation 133773 (VCV000133773.4), dbSNP rs587778144, ClinGen allele CA157771.